The following is an entry in ClinVar:

ClinVar aggregate classification (germline): Uncertain significance (1 of 4 stars; one submission).

Submission:

Labcorp Genetics (formerly Invitae), Labcorp
Classification: Uncertain significance. Last evaluated: 2023-10-18. Review status: criteria provided, single submitter. Criteria: Invitae Variant Classification Sherloc (09022015). Collection method: clinical testing. Allele origin: germline.
Comment: This sequence change replaces threonine, which is neutral and polar, with alanine, which is neutral and non-polar, at codon 1210 of the KAT6A protein (p.Thr1210Ala). This variant is not present in population databases (gnomAD no frequency). This variant has not been reported in the literature in individuals affected with KAT6A-related conditions. Advanced modeling of protein sequence and biophysical properties (such as structural, functional, and spatial information, amino acid conservation, physicochemical variation, residue mobility, and thermodynamic stability) performed at Invitae indicates that this missense variant is not expected to disrupt KAT6A protein function. In summary, the available evidence is currently insufficient to determine the role of this variant in disease. Therefore, it has been classified as a Variant of Uncertain Significance.

NM_006766.5(KAT6A):c.3628A>G (p.Thr1210Ala)

Gene: KAT6A (lysine acetyltransferase 6A; minus strand). Cytogenetic location: 8p11.21.
Variant type: single nucleotide variant.
Coding change: c.3628A>G on transcript NM_006766.5 (MANE Select); coding-DNA position 3628, A replaced by G.
Protein change: p.Thr1210Ala; replaces threonine 1210 with alanine.
Molecular consequence: missense variant.
Genome position (GRCh38, 1-based): chr8:41,934,592, T>C on the plus strand (A>G on the coding strand, the complement: KAT6A is on the minus strand). VCF-style: chr8-41934592-T-C. GRCh37 (hg19) VCF-style: chr8-41792110-T-C.
Other names: short protein forms T1210A.
Identifiers: ClinVar variation 2769912 (VCV002769912.3), dbSNP rs2486757992, ClinGen allele CA371068737.